The following is an entry in ClinVar:

ClinVar aggregate classification (germline): Uncertain significance (1 of 4 stars; one submission).

Submission:

Labcorp Genetics (formerly Invitae), Labcorp
Classification: Uncertain significance. Last evaluated: 2025-05-18. Review status: criteria provided, single submitter. Criteria: Invitae Variant Classification Sherloc (09022015). Collection method: clinical testing. Allele origin: germline.
Comment: This sequence change replaces proline, which is neutral and non-polar, with leucine, which is neutral and non-polar, at codon 1444 of the KMT2B protein (p.Pro1444Leu). This variant is not present in population databases (gnomAD no frequency). This variant has not been reported in the literature in individuals affected with KMT2B-related conditions. Invitae Evidence Modeling of protein sequence and biophysical properties (such as structural, functional, and spatial information, amino acid conservation, physicochemical variation, residue mobility, and thermodynamic stability) indicates that this missense variant is not expected to disrupt KMT2B protein function with a negative predictive value of 95%. In summary, the available evidence is currently insufficient to determine the role of this variant in disease. Therefore, it has been classified as a Variant of Uncertain Significance.

NM_014727.3(KMT2B):c.4331C>T (p.Pro1444Leu)

Gene: KMT2B (lysine methyltransferase 2B; plus strand). Cytogenetic location: 19q13.12.
Variant type: single nucleotide variant.
Coding change: c.4331C>T on transcript NM_014727.3 (MANE Select); coding-DNA position 4331, C replaced by T.
Protein change: p.Pro1444Leu; replaces proline 1444 with leucine.
Molecular consequence: missense variant.
Genome position (GRCh38, 1-based): chr19:35,727,726, C>T. VCF-style: chr19-35727726-C-T. GRCh37 (hg19) VCF-style: chr19-36218627-C-T.
Other names: short protein forms P1444L.
Identifiers: ClinVar variation 4703014 (VCV004703014.1).